The following is an entry in ClinVar:

ClinVar aggregate classification (germline): Conflicting classifications of pathogenicity. Review status: criteria provided, conflicting classifications (1 of 4 stars). 6 submissions from 6 submitters: Pathogenic (2); Likely pathogenic (2); Uncertain significance (1). 1 of the submissions does not count toward it. Last evaluated 2026-03-04.

Conditions:
Skraban-Deardorff syndrome. Also called: INTELLECTUAL DISABILITY WITH SEIZURES, ABNORMAL GAIT, AND DISTINCTIVE FACIAL FEATURES; WDR26-Related Intellectual Disability. Identifiers: Orphanet 513456, MedGen C4539927, MONDO:0054636, OMIM 617616.

Submissions (6):

GeneDx
Classification: Pathogenic. Last evaluated: 2026-03-04. Review status: criteria provided, single submitter. Criteria: GeneDx Variant Classification Process June 2021. Collection method: clinical testing. Allele origin: germline. Affected: yes.
Comment: Not observed at significant frequency in large population cohorts (gnomAD); In silico analysis supports a deleterious effect on splicing; This variant is associated with the following publications: (PMID: 35883178, 39031819, 39252027, 41147673)

CeGaT Center for Human Genetics Tuebingen
Classification: Likely pathogenic. Last evaluated: 2026-02-01. Review status: criteria provided, single submitter. Criteria: CeGaT Center For Human Genetics Tuebingen Variant Classification Criteria Version 2. Collection method: clinical testing. Allele origin: germline. Affected: yes. Observed: 1 variant allele.
Comment: WDR26: PS2, PM2, PP3

Victorian Clinical Genetics Services, Murdoch Childrens Research Institute
Classification: Pathogenic for Skraban-Deardorff syndrome. Last evaluated: 2023-07-17. Review status: criteria provided, single submitter. Criteria: ACMG Guidelines, 2015. Collection method: clinical testing. Allele origin: germline. Inheritance: Autosomal dominant inheritance. Affected: yes.
Comment: Based on the classification scheme VCGS_Germline_v1.3.4, this variant is classified as Pathogenic. Following criteria are met: 0102 - Loss of function is a known mechanism of disease in this gene and is associated with Skraban-Deardorff syndrome (MIM#617616). (I) 0107 - This gene is associated with autosomal dominant disease. (I) 0212 - Non-canonical splice site variant without proven consequence on splicing (no functional evidence available). (SP) 0251 - This variant is heterozygous. (I) 0301 - Variant is absent from gnomAD (both v2 and v3). (SP) 0508 - In silico predictions for abnormal splicing are conflicting. (I) 0705 - No comparable splice region variants have previous evidence for pathogenicity. (I) 0801 - This variant has strong previous evidence of pathogenicity in unrelated individuals. This variant has been classified as likely pathogenic, pathogenic, or as a VUS by clinical laboratories in ClinVar. Personal correspondence with these laboratories revealed that this variant has been observed in at least seven individuals with intellectual disability and other features including seizures, apraxia, autistic features and abnormal movements, including four de novo cases. (SP) 0905 - No published segregation evidence has been identified for this variant. (I) 1007 - No published functional evidence has been identified for this variant. (SP) Legend: (SP) - Supporting pathogenic, (I) - Information, (SB) - Supporting benign

Department of Genetics, Rouen University Hospital, Normandy Center for Genomic and Personalized Medicine
Classification: Likely pathogenic for Skraban-Deardorff syndrome. Last evaluated: 2022-05-03. Review status: criteria provided, single submitter. Criteria: ACMG Guidelines, 2015. Collection method: clinical testing. Allele origin: unknown. Affected: yes.

Labcorp Genetics (formerly Invitae), Labcorp
Classification: Uncertain significance. Last evaluated: 2019-09-06. Review status: criteria provided, single submitter. Criteria: Invitae Variant Classification Sherloc (09022015). Collection method: clinical testing. Allele origin: germline.
Comment: In summary, the available evidence is currently insufficient to determine the role of this variant in disease. Therefore, it has been classified as a Variant of Uncertain Significance. Algorithms developed to predict the effect of sequence changes on RNA splicing suggest that this variant may disrupt the consensus splice site, but this prediction has not been confirmed by published transcriptional studies. This variant has not been reported in the literature in individuals with WDR26-related conditions. This variant is not present in population databases (ExAC no frequency). This sequence change falls in intron 2 of the WDR26 gene. It does not directly change the encoded amino acid sequence of the WDR26 protein.

Greenwood Genetic Center Diagnostic Laboratories, Greenwood Genetic Center
Classification: Uncertain significance. Last evaluated: 2024-06-20. Review status: flagged submission. Criteria: ACMG Guidelines, 2015. Collection method: clinical testing. Allele origin: germline. Affected: yes. Not counted in ClinVar's aggregate classification.
Comment: PM2, PP3
ClinVar note: Reason: Outlier claim with insufficient supporting evidence

NM_001379403.1(WDR26):c.823-10A>G

Gene: WDR26 (WD repeat domain 26; minus strand). Cytogenetic location: 1q42.12.
Variant type: single nucleotide variant.
Coding change: c.823-10A>G on transcript NM_001379403.1 (MANE Select); 10 bases into the intron before coding-DNA position 823, A replaced by G.
Molecular consequence: intron variant.
Genome position (GRCh38, 1-based): chr1:224,431,591, T>C on the plus strand (A>G on the coding strand, the complement: WDR26 is on the minus strand). VCF-style: chr1-224431591-T-C. GRCh37 (hg19) VCF-style: chr1-224619293-T-C.
Other names: c.523-10A>G (NM_001115113.3, NM_025160.7).
Identifiers: ClinVar variation 962945 (VCV000962945.27), dbSNP rs1674395504, ClinGen allele CA1139656603.